The following is an entry in ClinVar:

ClinVar aggregate classification (germline): Uncertain significance (1 of 4 stars; one submission).

Conditions:
Hereditary cancer-predisposing syndrome. Also called: Tumor predisposition; Hereditary neoplastic syndrome; Neoplastic Syndromes, Hereditary; Hereditary Cancer Syndrome. Identifiers: Orphanet 140162, MedGen C0027672, MeSH D009386, MONDO:0015356.

Submission:

Ambry Genetics
Classification: Uncertain significance for Hereditary cancer-predisposing syndrome. Last evaluated: 2023-06-16. Review status: criteria provided, single submitter. Criteria: Ambry Variant Classification Scheme 2023. Collection method: clinical testing. Allele origin: germline.
Comment: The p.E46D variant (also known as c.138A>T), located in coding exon 2 of the APC gene, results from an A to T substitution at nucleotide position 138. The glutamic acid at codon 46 is replaced by aspartic acid, an amino acid with highly similar properties. This amino acid position is highly conserved in available vertebrate species. In addition, in silico predictors for this gene do not accurately predict pathogenicity. Since supporting evidence is limited at this time, the clinical significance of this alteration remains unclear.

NM_000038.6(APC):c.138A>T (p.Glu46Asp)

Gene: APC (APC regulator of Wnt signaling pathway; plus strand). Cytogenetic location: 5q22.2.
Variant type: single nucleotide variant.
Coding change: c.138A>T on transcript NM_000038.6 (MANE Select); coding-DNA position 138, A replaced by T.
Protein change: p.Glu46Asp; replaces glutamic acid 46 with aspartic acid.
Molecular consequence: missense variant. On other transcripts: 5 prime UTR variant (4).
Genome position (GRCh38, 1-based): chr5:112,766,328, A>T. VCF-style: chr5-112766328-A-T. GRCh37 (hg19) VCF-style: chr5-112102025-A-T.
Other names: c.138A>T, p.Glu46Asp (NM_001127510.3, NM_001354895.2, NM_001354896.2 and 2 more transcripts); c.168A>T, p.Glu56Asp (NM_001127511.3, NM_001354897.2, NM_001354902.2); c.63A>T, p.Glu21Asp (NM_001354898.2, NM_001354904.2); c.-40A>T (NM_001354900.2, NM_001354901.2, NM_001354905.2); c.-898A>T (NM_001354906.2); short protein forms E46D, E21D, E56D.
Identifiers: ClinVar variation 819088 (VCV000819088.5), dbSNP rs1429803547, ClinGen allele CA16021648.
Genomic context (GRCh38, chr5:112,766,328, plus strand): 5'-AATCATGTCTTGAAGTTATTTAGAATTTCATGTTAATATATTGTGTTCTTTTTAACAGGA[A>T]GTACTTAAACAACTACAAGGAAGTATTGAAGATGAAGCTATGGCTTCTTCTGGACAGATT-3'
Protein context (NP_000029.2, residues 36-56): KLETEASNMK[Glu46Asp]VLKQLQGSIE